The following is an entry in ClinVar:

Conditions:
Breast-ovarian cancer, familial, susceptibility to, 1 (BROVCA1). Also called: BRCA1 Hereditary Breast and Ovarian Cancer; OVARIAN CANCER, SUSCEPTIBILITY TO. Identifiers: Orphanet 145, MedGen C2676676, MONDO:0011450, OMIM 604370. Disease mechanism: loss of function.

Submission:

Brotman Baty Institute, University of Washington
No classification provided (evidence only). Condition: Breast-ovarian cancer, familial 1. Review status: no classification provided. Collection method: in vitro. Allele origin: not applicable. Functional consequence: functionally_normal.
ClinVar note: "not provided" was previously submitted as the classification for the variant. However, the classification appeared to be based only on an observation of functional data so it was converted to no classification on 2025-07-30.

NM_007294.4(BRCA1):c.5298C>G (p.Ile1766Met)

Gene: BRCA1 (BRCA1 DNA repair associated; minus strand). Cytogenetic location: 17q21.31.
Variant type: single nucleotide variant.
Coding change: c.5298C>G on transcript NM_007294.4 (MANE Select); coding-DNA position 5298, C replaced by G.
Protein change: p.Ile1766Met; replaces isoleucine 1766 with methionine.
Molecular consequence: missense variant. On other transcripts: non-coding transcript variant (1).
Genome position (GRCh38, 1-based): chr17:43,051,097, G>C on the plus strand (C>G on the coding strand, the complement: BRCA1 is on the minus strand). VCF-style: chr17-43051097-G-C. GRCh37 (hg19) VCF-style: chr17-41203114-G-C.
Other names: c.5169C>G, p.Ile1723Met (NM_001407682.1, NM_001407683.1, NM_001407685.1 and 6 more transcripts); c.5157C>G, p.Ile1719Met (NM_001407725.1, NM_001407726.1, NM_001407727.1 and 13 more transcripts); c.5154C>G, p.Ile1718Met (NM_001407732.1, NM_001407733.1, NM_001407744.1 and 21 more transcripts); c.5151C>G, p.Ile1717Met (NM_001407849.1, NM_001407850.1, NM_001407851.1 and 12 more transcripts); c.5298C>G, p.Ile1766Met (NM_001407854.1, NM_001407593.1, NM_001407594.1 and 6 more transcripts); c.5295C>G, p.Ile1765Met (NM_001407858.1, NM_001407859.1, NM_001407860.1 and 17 more transcripts); c.5088C>G, p.Ile1696Met (NM_001407886.1, NM_001407887.1, NM_001407889.1 and 5 more transcripts); c.5085C>G, p.Ile1695Met (NM_001407894.1, NM_001407895.1, NM_001407896.1 and 12 more transcripts); and 72 more; short protein forms I1719M, I1766M, I1787M, I662M, I1470M, I1695M, I1697M, I1699M.
Identifiers: ClinVar variation 867967 (VCV000867967.3), dbSNP rs2051207482, ClinGen allele CA10590953.